The following is an entry in ClinVar:

NM_000069.3(CACNA1S):c.2476T>G (p.Ser826Ala)

Gene: CACNA1S (calcium voltage-gated channel subunit alpha1 S; minus strand). Cytogenetic location: 1q32.1.
Variant type: single nucleotide variant.
Coding change: c.2476T>G on transcript NM_000069.3 (MANE Select); coding-DNA position 2476, T replaced by G.
Protein change: p.Ser826Ala; replaces serine 826 with alanine.
Molecular consequence: missense variant.
Genome position (GRCh38, 1-based): chr1:201,069,486, A>C on the plus strand (T>G on the coding strand, the complement: CACNA1S is on the minus strand). VCF-style: chr1-201069486-A-C. GRCh37 (hg19) VCF-style: chr1-201038614-A-C.
Other names: short protein forms S826A.
Identifiers: ClinVar variation 4757157 (VCV004757157.1).

ClinVar aggregate classification (germline): Uncertain significance (1 of 4 stars; one submission).

Conditions:
Malignant hyperthermia, susceptibility to, 5 (MHS5). Also called: CACNA1S-Related Malignant Hyperthermia Susceptibility. Identifiers: Orphanet 423, MedGen C1866077, MONDO:0011163, OMIM 601887.

Submission:

Color Diagnostics, LLC DBA Color Health
Classification: Uncertain significance for Malignant hyperthermia, susceptibility to, 5. Last evaluated: 2025-06-23. Review status: criteria provided, single submitter. Criteria: ACMG Guidelines, 2015. Collection method: clinical testing. Allele origin: germline.
Comment: This missense variant replaces serine with alanine at codon 826 of the CACNA1S protein. Computational prediction is inconclusive regarding the impact of this variant on protein structure and function. To our knowledge, functional studies have not been reported for this variant. This variant has not been reported in individuals affected with CACNA1S-related disorders in the literature. This variant has not been identified in the general population by the Genome Aggregation Database (gnomAD). The available evidence is insufficient to determine the role of this variant in disease conclusively. Therefore, this variant is classified as a Variant of Uncertain Significance.